The following is an entry in ClinVar:

ClinVar aggregate classification (germline): Pathogenic/Likely pathogenic. Review status: criteria provided, multiple submitters, no conflicts (2 of 4 stars). 4 submissions from 4 submitters: Pathogenic (3); Likely pathogenic (1). Last evaluated 2026-07-08.

Conditions:
Breast-ovarian cancer, familial, susceptibility to, 3. Also called: RAD51C-Related Breast/Ovarian Cancer. Identifiers: Orphanet 145, MedGen C3150659, MONDO:0013253, OMIM 613399.
Fanconi anemia complementation group O. Also called: RAD51C-Related Fanconi Anemia. Identifiers: Orphanet 84, MedGen C3150653, MONDO:0013248, OMIM 613390.
Hereditary cancer-predisposing syndrome. Also called: Hereditary Cancer Syndrome; Hereditary neoplastic syndrome; Neoplastic Syndromes, Hereditary; Tumor predisposition. Identifiers: Orphanet 140162, MedGen C0027672, MeSH D009386, MONDO:0015356.

Submissions (4):

Myriad Genetics, Inc.
Classification: Pathogenic for Breast-ovarian cancer, familial, susceptibility to, 3. Last evaluated: 2026-07-08. Review status: criteria provided, single submitter. Criteria: Myriad Autosomal Dominant, Autosomal Recessive and X-Linked Classification Criteria (2023). Collection method: clinical testing. Allele origin: unknown.
Comment: This variant is considered pathogenic. This variant creates a frameshift predicted to result in premature protein truncation.

Ambry Genetics
Classification: Pathogenic for Hereditary cancer-predisposing syndrome. Last evaluated: 2025-09-29. Review status: criteria provided, single submitter. Criteria: Ambry Variant Classification Scheme 2023. Collection method: clinical testing. Allele origin: germline.
Comment: The c.910delA pathogenic mutation, located in coding exon 7 of the RAD51C gene, results from a deletion of one nucleotide at nucleotide position 910, causing a translational frameshift with a predicted alternate stop codon (p.S304Vfs*10). This variant is considered to be rare based on population cohorts in the Genome Aggregation Database (gnomAD). This alteration is expected to result in loss of function by premature protein truncation or nonsense-mediated mRNA decay. As such, this alteration is interpreted as a disease-causing mutation.

Labcorp Genetics (formerly Invitae), Labcorp
Classification: Pathogenic for Fanconi anemia complementation group O. Last evaluated: 2020-04-12. Review status: criteria provided, single submitter. Criteria: Invitae Variant Classification Sherloc (09022015). Collection method: clinical testing. Allele origin: germline.
Comment: This sequence change creates a premature translational stop signal (p.Ser304Valfs*10) in the RAD51C gene. It is expected to result in an absent or disrupted protein product. This variant has been observed in an individual affected with ovarian cancer (PMID: 29255180). ClinVar contains an entry for this variant (Variation ID: 449877). This variant is not present in population databases (ExAC no frequency). Loss-of-function variants in RAD51C are known to be pathogenic (PMID: 20400964, 21990120, 24800917). For these reasons, this variant has been classified as Pathogenic.

GeneDx
Classification: Likely pathogenic. Last evaluated: 2017-03-17. Review status: criteria provided, single submitter. Criteria: GeneDx Variant Classification (06012015). Collection method: clinical testing. Allele origin: germline. Affected: yes.
Comment: This deletion of one nucleotide in RAD51C is denoted c.910delA at the cDNA level and p.Ser304ValfsX10 (S304VfsX10) at the protein level. The normal sequence, with the base that is deleted in brackets, is GGAA[delA]GTTG. The deletion causes a frameshift which changes a Serine to a Valine at codon 304, and creates a premature stop codon at position 10 of the new reading frame. Although this variant has not, to our knowledge, been reported in the literature, it is predicted to cause loss of normal protein function through either protein truncation or nonsense-mediated mRNA decay. Based on the currently available information, we consider this deletion to be a likely pathogenic variant.

Literature cited by the submitters: PubMed 29255180 (cited by Ambry Genetics and Labcorp Genetics (formerly Invitae), Labcorp); PubMed 30322717 (cited by Ambry Genetics); PubMed 20400964 (cited by Labcorp Genetics (formerly Invitae), Labcorp); PubMed 21990120 (cited by Labcorp Genetics (formerly Invitae), Labcorp); PubMed 24800917 (cited by Labcorp Genetics (formerly Invitae), Labcorp).

NM_058216.3(RAD51C):c.910del (p.Ser304fs)

Gene: RAD51C (RAD51 paralog C; plus strand). Cytogenetic location: 17q22.
Variant type: Deletion.
Coding change: c.910del on transcript NM_058216.3 (MANE Select); coding-DNA position 910, one base deleted (A; older notation c.910delA).
Protein change: p.Ser304fs; shifts the reading frame from serine 304.
Molecular consequence: frameshift variant. On other transcripts: non-coding transcript variant (1).
Genome position (GRCh38, 1-based): chr17:58,724,045, A deleted; the last of 3 consecutive A bases (chr17:58,724,043-58,724,045); deleting any one gives the same sequence. VCF-style (leftmost placement, unchanged base first): chr17-58724042-GA-G. GRCh37 (hg19) VCF-style: chr17-56801403-GA-G.
Other names: short protein forms S304fs.
Identifiers: ClinVar variation 449877 (VCV000449877.15), dbSNP rs1555603011, ClinGen allele CA658658629.